The following is an entry in ClinVar:

NM_001394372.1(BICRA):c.1808T>G (p.Val603Gly)

Gene: BICRA (BRD4 interacting chromatin remodeling complex associated protein; plus strand). Cytogenetic location: 19q13.33.
Variant type: single nucleotide variant.
Coding change: c.1808T>G on transcript NM_001394372.1 (MANE Select); coding-DNA position 1808, T replaced by G.
Protein change: p.Val603Gly; replaces valine 603 with glycine.
Molecular consequence: missense variant.
Genome position (GRCh38, 1-based): chr19:47,680,978, T>G. VCF-style: chr19-47680978-T-G. GRCh37 (hg19) VCF-style: chr19-48184235-T-G.
Other names: c.1808T>G, p.Val603Gly (NM_015711.3); short protein forms V603G.
Identifiers: ClinVar variation 4883646 (VCV004883646.2).

ClinVar aggregate classification (germline): Uncertain significance (1 of 4 stars; one submission).

Submission:

Dasa
Classification: Uncertain significance. Last evaluated: 2025-05-14. Review status: criteria provided, single submitter. Criteria: DASA Assertion Criteria. Collection method: clinical testing. Allele origin: germline.
Comment: NM_001394372.1(BICRA):c.1808T>G (p.Val603Gly) is a missense variant that results in the substitution of valine with glycine. This variant is absent from population databases. Computational prediction algorithms are consistent with a benign effect. The currently available literature and clinical evidence are not sufficient to establish a definitive association between this variant and the reported condition. Therefore, this variant is classified as a variant of uncertain significance.